The following is an entry in ClinVar:

ClinVar aggregate classification (germline): Uncertain significance. Review status: criteria provided, multiple submitters, no conflicts (2 of 4 stars). 3 submissions from 3 submitters: Uncertain significance (3). Last evaluated 2025-06-29.

Conditions:
Cardiovascular phenotype. Identifiers: MedGen CN230736.
Atrial septal defect 5 (ASD5). Identifiers: Orphanet 1478, MedGen C2748552, MONDO:0013011, OMIM 612794.
Hypertrophic cardiomyopathy 11. Also called: ACTC1-Related Familial Hypertrophic Cardiomyopathy. Identifiers: MedGen C2677506, MONDO:0012799, OMIM 612098.
Dilated cardiomyopathy 1R (CMD1R). Identifiers: Orphanet 154, Orphanet 54260, MedGen C3150681, MONDO:0013261, OMIM 613424.

Submissions (3):

Labcorp Genetics (formerly Invitae), Labcorp
Classification: Uncertain significance for Dilated cardiomyopathy 1R; Hypertrophic cardiomyopathy 11; Atrial septal defect 5. Last evaluated: 2025-06-29. Review status: criteria provided, single submitter. Criteria: Invitae Variant Classification Sherloc (09022015). Collection method: clinical testing. Allele origin: germline.
Comment: This sequence change replaces serine, which is neutral and polar, with phenylalanine, which is neutral and non-polar, at codon 201 of the ACTC1 protein (p.Ser201Phe). This variant is not present in population databases (gnomAD no frequency). This variant has not been reported in the literature in individuals affected with ACTC1-related conditions. ClinVar contains an entry for this variant (Variation ID: 180255). Invitae Evidence Modeling of protein sequence and biophysical properties (such as structural, functional, and spatial information, amino acid conservation, physicochemical variation, residue mobility, and thermodynamic stability) indicates that this missense variant is not expected to disrupt ACTC1 protein function with a negative predictive value of 80%. In summary, the available evidence is currently insufficient to determine the role of this variant in disease. Therefore, it has been classified as a Variant of Uncertain Significance.

Ambry Genetics
Classification: Uncertain significance for Cardiovascular phenotype. Last evaluated: 2024-11-19. Review status: criteria provided, single submitter. Criteria: Ambry Variant Classification Scheme 2023. Collection method: clinical testing. Allele origin: germline.
Comment: The p.S201F variant (also known as c.602C>T), located in coding exon 3 of the ACTC1 gene, results from a C to T substitution at nucleotide position 602. The serine at codon 201 is replaced by phenylalanine, an amino acid with highly dissimilar properties. This amino acid position is highly conserved in available vertebrate species. In addition, this alteration is predicted to be deleterious by in silico analysis. Based on the available evidence, the clinical significance of this variant remains unclear.

GeneDx
Classification: Uncertain significance. Last evaluated: 2019-02-18. Review status: criteria provided, single submitter. Criteria: GeneDx Variant Classification Process June 2021. Collection method: clinical testing. Allele origin: germline. Affected: yes.
Comment: Not observed in large population cohorts (Lek et al., 2016; McVean et al., 2012; Exome Variant Server); In silico analysis, which includes protein predictors and evolutionary conservation, supports a deleterious effect.

NM_005159.5(ACTC1):c.602C>T (p.Ser201Phe)

Genes: ACTC1 (actin alpha cardiac muscle 1; minus strand), GJD2-DT (GJD2 divergent transcript; plus strand). Cytogenetic location: 15q14.
Variant type: single nucleotide variant.
Coding change: c.602C>T on transcript NM_005159.5 (MANE Select); coding-DNA position 602, C replaced by T.
Protein change: p.Ser201Phe; replaces serine 201 with phenylalanine.
Molecular consequence: missense variant.
Genome position (GRCh38, 1-based): chr15:34,792,422, G>A on the plus strand (C>T on the coding strand, the complement: ACTC1 is on the minus strand). VCF-style: chr15-34792422-G-A. GRCh37 (hg19) VCF-style: chr15-35084623-G-A.
Other names: c.602C>T (LRG_388t1); short protein forms S201F.
Identifiers: ClinVar variation 180255 (VCV000180255.5), dbSNP rs730880038, ClinGen allele CA019841.